The following is an entry in ClinVar:

NM_001103.4(ACTN2):c.2419G>C (p.Gly807Arg)

Gene: ACTN2 (actinin alpha 2; plus strand). Cytogenetic location: 1q43.
Variant type: single nucleotide variant.
Coding change: c.2419G>C on transcript NM_001103.4 (MANE Select); coding-DNA position 2419, G replaced by C.
Protein change: p.Gly807Arg; replaces glycine 807 with arginine.
Molecular consequence: missense variant.
Genome position (GRCh38, 1-based): chr1:236,761,066, G>C. VCF-style: chr1-236761066-G-C. GRCh37 (hg19) VCF-style: chr1-236924366-G-C.
Other names: c.2419G>C, p.Gly807Arg (NM_001278343.2); c.1795G>C, p.Gly599Arg (NM_001278344.2); short protein forms G807R, G599R.
Identifiers: ClinVar variation 191599 (VCV000191599.1), dbSNP rs200282066, ClinGen allele CA237023.

ClinVar aggregate classification (germline): Uncertain significance (1 of 4 stars; one submission).

Allele frequency attached by ClinVar (database versions not stated): gnomAD exomes below 0.00001.
gnomAD v4.1: 6 of 1,614,188 alleles (0.00037%); highest among the groups gnomAD compares: Non-Finnish European, 0.00051%; no homozygotes.

Submission:

Biesecker Lab/Clinical Genomics Section, National Institutes of Health
Classification: Uncertain significance. Last evaluated: 2013-06-24. Review status: criteria provided, single submitter. Criteria: Ng et al. (Circ Cardiovasc Genet. 2013). Collection method: research. Allele origin: unknown. Observed: 1 variant allele. Study: ClinSeq.
Comment: The study set was not selected for affection status in relation to any cancer. Pathogenicity categories were based on literature curation. See Pubmed ID:23861362 for details.

Medical sequencing